The following is an entry in ClinVar:

NM_001905.4(CTPS1):c.1450-4A>G

Gene: CTPS1 (CTP synthase 1; plus strand). Cytogenetic location: 1p34.2.
Variant type: single nucleotide variant.
Coding change: c.1450-4A>G on transcript NM_001905.4 (MANE Select); 4 bases into the intron before coding-DNA position 1450, A replaced by G.
Molecular consequence: intron variant. On other transcripts: non-coding transcript variant (1).
Genome position (GRCh38, 1-based): chr1:41,008,790, A>G. VCF-style: chr1-41008790-A-G. GRCh37 (hg19) VCF-style: chr1-41474462-A-G.
Other names: c.982-4A>G (NM_001301237.2).
Identifiers: ClinVar variation 1053480 (VCV001053480.9), dbSNP rs2148420558, ClinGen allele CA2499214711.

ClinVar aggregate classification (germline): Uncertain significance (1 of 4 stars; one submission).

Conditions:
Combined immunodeficiency due to CTPS1 deficiency. Also called: Immunodeficiency 24; Severe combined immunodeficiency due to CTPS1 deficiency. Identifiers: Orphanet 420573, MedGen C4014617, MONDO:0014391, OMIM 615897.

gnomAD v4.1: 8 of 1,614,184 alleles (0.0005%); highest among the groups gnomAD compares: Non-Finnish European, 0.00068%; no homozygotes.

Submission:

Labcorp Genetics (formerly Invitae), Labcorp
Classification: Uncertain significance for Combined immunodeficiency due to CTPS1 deficiency. Last evaluated: 2020-02-03. Review status: criteria provided, single submitter. Criteria: Invitae Variant Classification Sherloc (09022015). Collection method: clinical testing. Allele origin: germline.
Comment: This variant has not been reported in the literature in individuals with CTPS1-related conditions. In summary, the available evidence is currently insufficient to determine the role of this variant in disease. Therefore, it has been classified as a Variant of Uncertain Significance. Algorithms developed to predict the effect of sequence changes on RNA splicing suggest that this variant may disrupt the consensus splice site, but this prediction has not been confirmed by published transcriptional studies. This variant is not present in population databases (ExAC no frequency). This sequence change falls in intron 15 of the CTPS1 gene. It does not directly change the encoded amino acid sequence of the CTPS1 protein.